The following is an entry in ClinVar:

NM_000051.4(ATM):c.661A>T (p.Arg221Ter)

Gene: ATM (ATM serine/threonine kinase; plus strand). Cytogenetic location: 11q22.3.
Variant type: single nucleotide variant.
Coding change: c.661A>T on transcript NM_000051.4 (MANE Select); coding-DNA position 661, A replaced by T.
Protein change: p.Arg221Ter; replaces arginine 221 with a stop codon.
Molecular consequence: nonsense.
Genome position (GRCh38, 1-based): chr11:108,244,117, A>T. VCF-style: chr11-108244117-A-T. GRCh37 (hg19) VCF-style: chr11-108114844-A-T.
Other names: c.661A>T, p.Arg221Ter (NM_001351834.2); short protein forms R221*.
Identifiers: ClinVar variation 1754508 (VCV001754508.2), dbSNP rs2135227474, ClinGen allele CA382528672.

ClinVar aggregate classification (germline): Likely pathogenic (1 of 4 stars; one submission).

Conditions:
Hereditary cancer-predisposing syndrome. Also called: Neoplastic Syndromes, Hereditary; Tumor predisposition; Hereditary Cancer Syndrome; Hereditary neoplastic syndrome. Identifiers: Orphanet 140162, MedGen C0027672, MeSH D009386, MONDO:0015356.

Submission:

Ambry Genetics
Classification: Likely pathogenic for Hereditary cancer-predisposing syndrome. Last evaluated: 2022-10-03. Review status: criteria provided, single submitter. Criteria: Ambry Variant Classification Scheme 2023. Collection method: clinical testing. Allele origin: germline.
Comment: The c.661A>T variant (also known as p.R221*), located in coding exon 5 of the ATM gene, results from an A to T substitution at nucleotide position 661. This changes the amino acid from an arginine to a stop codon within coding exon 5. This nucleotide position is highly conserved in available vertebrate species. In silico splice site analysis predicts that this alteration will weaken the native splice donor site. RNA studies have demonstrated that this alteration results in abnormal splicing in the set of samples tested (Ambry internal data). This variant is considered to be rare based on population cohorts in the Genome Aggregation Database (gnomAD). Based on the majority of available evidence to date, this variant is likely to be pathogenic.